The following is an entry in ClinVar:

ClinVar aggregate classification (germline): Uncertain significance (1 of 4 stars; one submission).

Conditions:
Inborn genetic diseases. Identifiers: MedGen C0950123, MeSH D030342.

Submission:

Ambry Genetics
Classification: Uncertain significance for Inborn genetic diseases. Last evaluated: 2026-07-18. Review status: criteria provided, single submitter. Criteria: Ambry Variant Classification Scheme 2023. Collection method: clinical testing. Allele origin: germline.
Comment: The p.L596V variant (also known as c.1786C>G), located in coding exon 11 of the RECQL4 gene, results from a C to G substitution at nucleotide position 1786. The leucine at codon 596 is replaced by valine, an amino acid with highly similar properties. This amino acid position is conserved. In addition, the in silico prediction for this alteration is inconclusive. Based on the available evidence, the clinical significance of this variant remains unclear.

NM_004260.4(RECQL4):c.1786C>G (p.Leu596Val)

Gene: RECQL4 (RecQ like helicase 4; minus strand). Cytogenetic location: 8q24.3.
Variant type: single nucleotide variant.
Coding change: c.1786C>G on transcript NM_004260.4 (MANE Select); coding-DNA position 1786, C replaced by G.
Protein change: p.Leu596Val; replaces leucine 596 with valine.
Molecular consequence: missense variant. On other transcripts: non-coding transcript variant (3), intron variant (3).
Genome position (GRCh38, 1-based): chr8:144,514,281, G>C on the plus strand (C>G on the coding strand, the complement: RECQL4 is on the minus strand). VCF-style: chr8-144514281-G-C. GRCh37 (hg19) VCF-style: chr8-145739665-G-C.
Other names: c.715C>G, p.Leu239Val (NM_001413022.1, NM_001413023.1, NM_001413024.1 and 6 more transcripts); c.1657C>G, p.Leu553Val (NM_001413025.1); c.649C>G, p.Leu217Val (NM_001413027.1, NM_001413030.1, NM_001413032.1 and 1 more transcripts); c.1435C>G, p.Leu479Val (NM_001413029.1); c.1705-51C>G (NM_001413033.1); c.568-51C>G (NM_001413031.1); c.634-51C>G (NM_001413037.1); c.1786C>G, p.Leu596Val (NM_001413036.1, NM_001413018.1, NM_001413019.1); and 4 more; short protein forms L217V, L596V, L229V, L239V, L564V, L586V, L107V, L479V.
Identifiers: ClinVar variation 5028087 (VCV005028087.1).
Genomic context (GRCh38, chr8:144,514,281, plus strand): 5'-TGTGGGACCACTGGGAGAGGCAGTGGGCCTCATCAATGCAGGCAAAAGCAACTGGAGGCA[G>C]CTGTGCGGCTGGAGGGAGGCCTCCCGCCCCCACCAGTGCCTCAGGTGTCAGCATCAGCAC-3'
Protein context (NP_004251.4, residues 586-606): GAGGLPPAAQ[Leu596Val]PPVAFACIDE